The following is an entry in ClinVar:

NM_006073.4(TRDN):c.451C>T (p.Gln151Ter)

Gene: TRDN (triadin; minus strand). Cytogenetic location: 6q22.31.
Variant type: single nucleotide variant.
Coding change: c.451C>T on transcript NM_006073.4 (MANE Select); coding-DNA position 451, C replaced by T.
Protein change: p.Gln151Ter; replaces glutamine 151 with a stop codon.
Molecular consequence: nonsense.
Genome position (GRCh38, 1-based): chr6:123,530,539, G>A on the plus strand (C>T on the coding strand, the complement: TRDN is on the minus strand). VCF-style: chr6-123530539-G-A. GRCh37 (hg19) VCF-style: chr6-123851684-G-A.
Other names: c.451C>T, p.Gln151Ter (NM_001251987.2, NM_001256020.2, NM_001256021.2 and 2 more transcripts); short protein forms Q151*.
Identifiers: ClinVar variation 2018973 (VCV002018973.4), dbSNP rs2534401993, ClinGen allele CA365568467.

ClinVar aggregate classification (germline): Pathogenic (1 of 4 stars; one submission).

Conditions:
Catecholaminergic polymorphic ventricular tachycardia 1. Also called: VENTRICULAR TACHYCARDIA, CATECHOLAMINERGIC POLYMORPHIC, 1, WITH OR WITHOUT ATRIAL DYSFUNCTION AND/OR DILATED CARDIOMYOPATHY; RYR2-Related Catecholaminergic Polymorphic Ventricular Tachycardia; VENTRICULAR TACHYCARDIA, STRESS-INDUCED POLYMORPHIC 1. Identifiers: Orphanet 3286, MedGen C1631597, MONDO:0011484, OMIM 604772.

Submission:

Labcorp Genetics (formerly Invitae), Labcorp
Classification: Pathogenic for Catecholaminergic polymorphic ventricular tachycardia 1. Last evaluated: 2025-12-08. Review status: criteria provided, single submitter. Criteria: Invitae Variant Classification Sherloc (09022015). Collection method: clinical testing. Allele origin: germline.
Comment: This sequence change creates a premature translational stop signal (p.Gln151*) in the TRDN gene. It is expected to result in an absent or disrupted protein product. Loss-of-function variants in TRDN are known to be pathogenic (PMID: 22422768, 25922419, 26200674, 30649896). This variant is not present in population databases (gnomAD no frequency). This variant has not been reported in the literature in individuals affected with TRDN-related conditions. ClinVar contains an entry for this variant (Variation ID: 2018973). For these reasons, this variant has been classified as Pathogenic.

Literature cited by the submitters: PubMed 22422768; PubMed 25922419; PubMed 26200674; PubMed 30649896.